The following is an entry in ClinVar:

ClinVar aggregate classification (germline): Likely pathogenic (1 of 4 stars; one submission).

Submission:

Labcorp Genetics (formerly Invitae), Labcorp
Classification: Likely pathogenic. Last evaluated: 2024-04-20. Review status: criteria provided, single submitter. Criteria: Invitae Variant Classification Sherloc (09022015). Collection method: clinical testing. Allele origin: germline.
Comment: This sequence change replaces isoleucine, which is neutral and non-polar, with threonine, which is neutral and polar, at codon 191 of the DDX3X protein (p.Ile191Thr). This variant is not present in population databases (gnomAD no frequency). This missense change has been observed in individual(s) with clinical features of DDX3X-related intellectual disability (Invitae). In at least one individual the variant was observed to be de novo. ClinVar contains an entry for this variant (Variation ID: 1519111). Experimental studies and prediction algorithms are not available or were not evaluated, and the functional significance of this variant is currently unknown. In summary, the currently available evidence indicates that the variant is pathogenic, but additional data are needed to prove that conclusively. Therefore, this variant has been classified as Likely Pathogenic.

NM_001356.5(DDX3X):c.572T>C (p.Ile191Thr)

Gene: DDX3X (DEAD-box helicase 3 X-linked; plus strand). Cytogenetic location: Xp11.4.
Variant type: single nucleotide variant.
Coding change: c.572T>C on transcript NM_001356.5 (MANE Select); coding-DNA position 572, T replaced by C.
Protein change: p.Ile191Thr; replaces isoleucine 191 with threonine.
Molecular consequence: missense variant. On other transcripts: non-coding transcript variant (1).
Genome position (GRCh38, 1-based): chrX:41,343,244, T>C. VCF-style: chrX-41343244-T-C. GRCh37 (hg19) VCF-style: chrX-41202497-T-C.
Other names: c.572T>C, p.Ile191Thr (NM_001193416.3); c.524T>C, p.Ile175Thr (NM_001193417.3); c.14T>C, p.Ile5Thr (NM_001363819.1); short protein forms I175T, I191T, I5T.
Identifiers: ClinVar variation 1519111 (VCV001519111.8), dbSNP rs2147351722, ClinGen allele CA412767833.